The following is an entry in ClinVar:

NM_001004334.4(GPR179):c.6089A>T (p.Lys2030Ile)

Gene: GPR179 (G protein-coupled receptor 179; minus strand). Cytogenetic location: 17q12.
Variant type: single nucleotide variant.
Coding change: c.6089A>T on transcript NM_001004334.4 (MANE Select); coding-DNA position 6089, A replaced by T.
Protein change: p.Lys2030Ile; replaces lysine 2030 with isoleucine.
Molecular consequence: missense variant.
Genome position (GRCh38, 1-based): chr17:38,327,480, T>A on the plus strand (A>T on the coding strand, the complement: GPR179 is on the minus strand). VCF-style: chr17-38327480-T-A. GRCh37 (hg19) VCF-style: chr17-36483363-T-A.
Other names: short protein forms K2030I.
Identifiers: ClinVar variation 2079861 (VCV002079861.4), dbSNP rs2512156446, ClinGen allele CA398870205.
Genomic context (GRCh38, chr17:38,327,480, plus strand): 5'-TCTGGGGCTCTGCCTTTCTCTTCTTGAGAGTCCCCTTTTCCATCCTGCCTTGACACCCCT[T>A]TGACAGGGATTCTTTCAGTCACTTCCCAGGGACAGGTCTCAGCCTTGGCACTGCTGTCAG-3'
Protein context (NP_001004334.3, residues 2020-2040): PWEVTERIPV[Lys2030Ile]GVSRQDGKGD

ClinVar aggregate classification (germline): Uncertain significance (1 of 4 stars; one submission).

Submission:

Labcorp Genetics (formerly Invitae), Labcorp
Classification: Uncertain significance. Last evaluated: 2022-01-11. Review status: criteria provided, single submitter. Criteria: Invitae Variant Classification Sherloc (09022015). Collection method: clinical testing. Allele origin: germline.
Comment: This sequence change replaces lysine, which is basic and polar, with isoleucine, which is neutral and non-polar, at codon 2030 of the GPR179 protein (p.Lys2030Ile). This variant is not present in population databases (gnomAD no frequency). This variant has not been reported in the literature in individuals affected with GPR179-related conditions. Algorithms developed to predict the effect of missense changes on protein structure and function are either unavailable or do not agree on the potential impact of this missense change (SIFT: "Deleterious"; PolyPhen-2: "Possibly Damaging"; Align-GVGD: "Class C0"). In summary, the available evidence is currently insufficient to determine the role of this variant in disease. Therefore, it has been classified as a Variant of Uncertain Significance.